The following is an entry in ClinVar:

NM_017654.4(SAMD9):c.163G>A (p.Val55Ile)

Gene: SAMD9 (sterile alpha motif domain containing 9; minus strand). Cytogenetic location: 7q21.2.
Variant type: single nucleotide variant.
Coding change: c.163G>A on transcript NM_017654.4 (MANE Select); coding-DNA position 163, G replaced by A.
Protein change: p.Val55Ile; replaces valine 55 with isoleucine.
Molecular consequence: missense variant.
Genome position (GRCh38, 1-based): chr7:93,105,935, C>T on the plus strand (G>A on the coding strand, the complement: SAMD9 is on the minus strand). VCF-style: chr7-93105935-C-T. GRCh37 (hg19) VCF-style: chr7-92735248-C-T.
Other names: c.163G>A, p.Val55Ile (NM_001193307.2); c.163G>A (NM_017654.3); short protein forms V55I.
Identifiers: ClinVar variation 2115129 (VCV002115129.5), dbSNP rs1006785467, ClinGen allele CA161995287.

ClinVar aggregate classification (germline): Uncertain significance. Review status: criteria provided, multiple submitters, no conflicts (2 of 4 stars). 2 submissions from 2 submitters: Uncertain significance (2). Last evaluated 2026-06-26.

Conditions:
Inborn genetic diseases. Identifiers: MedGen C0950123, MeSH D030342.

Allele frequency attached by ClinVar (database versions not stated): gnomAD exomes below 0.00001.
gnomAD v4.1: 5 of 1,612,172 alleles (0.00031%); highest among the groups gnomAD compares: Non-Finnish European, 0.00034%; no homozygotes.

Submissions (2):

Ambry Genetics
Classification: Uncertain significance for Inborn genetic diseases. Last evaluated: 2026-06-26. Review status: criteria provided, single submitter. Criteria: Ambry Variant Classification Scheme 2023. Collection method: clinical testing. Allele origin: germline.
Comment: The p.V55I variant (also known as c.163G>A), located in coding exon 1 of the SAMD9 gene, results from a G to A substitution at nucleotide position 163. The valine at codon 55 is replaced by isoleucine, an amino acid with highly similar properties. This amino acid position is conserved. In addition, this alteration is predicted to be tolerated by in silico analysis. Based on the available evidence, the clinical significance of this variant remains unclear.

Labcorp Genetics (formerly Invitae), Labcorp
Classification: Uncertain significance. Last evaluated: 2023-05-22. Review status: criteria provided, single submitter. Criteria: Invitae Variant Classification Sherloc (09022015). Collection method: clinical testing. Allele origin: germline.
Comment: This sequence change replaces valine, which is neutral and non-polar, with isoleucine, which is neutral and non-polar, at codon 55 of the SAMD9 protein (p.Val55Ile). This variant is not present in population databases (gnomAD no frequency). This variant has not been reported in the literature in individuals affected with SAMD9-related conditions. ClinVar contains an entry for this variant (Variation ID: 2115129). Advanced modeling of protein sequence and biophysical properties (such as structural, functional, and spatial information, amino acid conservation, physicochemical variation, residue mobility, and thermodynamic stability) performed at Invitae indicates that this missense variant is not expected to disrupt SAMD9 protein function. In summary, the available evidence is currently insufficient to determine the role of this variant in disease. Therefore, it has been classified as a Variant of Uncertain Significance.